The following is an entry in ClinVar:

ClinVar aggregate classification (germline): Uncertain significance (1 of 4 stars; one submission).

Conditions:
Severe combined immunodeficiency due to DNA-PKcs deficiency. Also called: IMMUNODEFICIENCY 26 WITH NEUROLOGIC ABNORMALITIES; Immunodeficiency 26 with or without neurologic abnormalities. Identifiers: Orphanet 317425, MedGen C4014833, MONDO:0014423, OMIM 615966.

Submission:

Labcorp Genetics (formerly Invitae), Labcorp
Classification: Uncertain significance for Severe combined immunodeficiency due to DNA-PKcs deficiency. Last evaluated: 2022-11-01. Review status: criteria provided, single submitter. Criteria: Invitae Variant Classification Sherloc (09022015). Collection method: clinical testing. Allele origin: germline.
Comment: This sequence change replaces methionine, which is neutral and non-polar, with leucine, which is neutral and non-polar, at codon 2104 of the PRKDC protein (p.Met2104Leu). In summary, the available evidence is currently insufficient to determine the role of this variant in disease. Therefore, it has been classified as a Variant of Uncertain Significance. Advanced modeling of protein sequence and biophysical properties (such as structural, functional, and spatial information, amino acid conservation, physicochemical variation, residue mobility, and thermodynamic stability) performed at Invitae indicates that this missense variant is not expected to disrupt PRKDC protein function. This variant has not been reported in the literature in individuals affected with PRKDC-related conditions. This variant is not present in population databases (gnomAD no frequency).

NM_006904.7(PRKDC):c.6310A>C (p.Met2104Leu)

Gene: PRKDC (protein kinase, DNA-activated, catalytic subunit; minus strand). Cytogenetic location: 8q11.21.
Variant type: single nucleotide variant.
Coding change: c.6310A>C on transcript NM_006904.7 (MANE Select); coding-DNA position 6310, A replaced by C.
Protein change: p.Met2104Leu; replaces methionine 2104 with leucine.
Molecular consequence: missense variant.
Genome position (GRCh38, 1-based): chr8:47,858,884, T>G on the plus strand (A>C on the coding strand, the complement: PRKDC is on the minus strand). VCF-style: chr8-47858884-T-G. GRCh37 (hg19) VCF-style: chr8-48771445-T-G.
Other names: c.6310A>C, p.Met2104Leu (NM_001081640.2); short protein forms M2104L.
Identifiers: ClinVar variation 1719203 (VCV001719203.6), dbSNP rs1362683882, ClinGen allele CA371160885.